The following is an entry in ClinVar:

NM_007348.4(ATF6):c.1763_1770dup (p.Met591fs)

Gene: ATF6 (activating transcription factor 6; plus strand). Cytogenetic location: 1q23.3.
Variant type: Duplication.
Coding change: c.1763_1770dup on transcript NM_007348.4 (MANE Select); coding-DNA positions 1763 to 1770, 8 bases duplicated (GACCAAAA; older notation c.1763_1770dupGACCAAAA).
Protein change: p.Met591fs; shifts the reading frame from methionine 591.
Molecular consequence: frameshift variant.
Genome position (GRCh38, 1-based): chr1:161,912,339-161,912,346, GACCAAAA duplicated; duplicating any 8 consecutive bases within chr1:161,912,337-161,912,346 gives the same sequence; the c. name uses the placement nearest the transcript's 3' end. VCF-style (leftmost placement, unchanged base first): chr1-161912336-C-CAAGACCAA. GRCh37 (hg19) VCF-style: chr1-161882126-C-CAAGACCAA.
Other names: c.1760_1767dup, p.Met590Aspfs (NM_001410890.1); short protein forms M591fs.
Identifiers: ClinVar variation 1948453 (VCV001948453.5), dbSNP rs1262081383, ClinGen allele CA890254771.

ClinVar aggregate classification (germline): Uncertain significance (1 of 4 stars; one submission).

Submission:

Labcorp Genetics (formerly Invitae), Labcorp
Classification: Uncertain significance. Last evaluated: 2022-05-08. Review status: criteria provided, single submitter. Criteria: Invitae Variant Classification Sherloc (09022015). Collection method: clinical testing. Allele origin: germline.
Comment: In summary, the available evidence is currently insufficient to determine the role of this variant in disease. Therefore, it has been classified as a Variant of Uncertain Significance. This variant disrupts a region of the ATF6 protein in which other variant(s) (p.Tyr567Asn) have been observed in individuals with ATF6-related conditions (PMID: 26029869). This suggests that this is a clinically significant region of the protein, and that variants that disrupt it are likely to be disease-causing. Experimental studies and prediction algorithms are not available or were not evaluated, and the functional significance of this variant is currently unknown. This variant has not been reported in the literature in individuals affected with ATF6-related conditions. This variant is not present in population databases (gnomAD no frequency). This sequence change creates a premature translational stop signal (p.Met591Aspfs*11) in the ATF6 gene. While this is not anticipated to result in nonsense mediated decay, it is expected to disrupt the last 80 amino acid(s) of the ATF6 protein.

Literature cited by the submitters: PubMed 26029869.